The following is an entry in ClinVar:

ClinVar aggregate classification (germline): Uncertain significance (1 of 4 stars; one submission).

Conditions:
Charcot-Marie-Tooth disease dominant intermediate C (CMTDIC). Also called: CHARCOT-MARIE-TOOTH NEUROPATHY, DOMINANT INTERMEDIATE C. Identifiers: Orphanet 100045, MedGen C1842237, MONDO:0012012, OMIM 608323.

gnomAD v4.1: 1 of 1,614,088 alleles (0.000062%); highest among the groups gnomAD compares: Non-Finnish European, 0.000085%; no homozygotes.

Submission:

Labcorp Genetics (formerly Invitae), Labcorp
Classification: Uncertain significance for Charcot-Marie-Tooth disease dominant intermediate C. Last evaluated: 2023-12-04. Review status: criteria provided, single submitter. Criteria: Invitae Variant Classification Sherloc (09022015). Collection method: clinical testing. Allele origin: germline.
Comment: This sequence change replaces cysteine, which is neutral and slightly polar, with glycine, which is neutral and non-polar, at codon 442 of the YARS protein (p.Cys442Gly). This variant is not present in population databases (gnomAD no frequency). This variant has not been reported in the literature in individuals affected with YARS-related conditions. Advanced modeling of protein sequence and biophysical properties (such as structural, functional, and spatial information, amino acid conservation, physicochemical variation, residue mobility, and thermodynamic stability) performed at Invitae indicates that this missense variant is expected to disrupt YARS protein function with a positive predictive value of 80%. In summary, the available evidence is currently insufficient to determine the role of this variant in disease. Therefore, it has been classified as a Variant of Uncertain Significance.

NM_003680.4(YARS1):c.1324T>G (p.Cys442Gly)

Gene: YARS1 (tyrosyl-tRNA synthetase 1; minus strand). Cytogenetic location: 1p35.1.
Variant type: single nucleotide variant.
Coding change: c.1324T>G on transcript NM_003680.4 (MANE Select); coding-DNA position 1324, T replaced by G.
Protein change: p.Cys442Gly; replaces cysteine 442 with glycine.
Molecular consequence: missense variant.
Genome position (GRCh38, 1-based): chr1:32,780,095, A>C on the plus strand (T>G on the coding strand, the complement: YARS1 is on the minus strand). VCF-style: chr1-32780095-A-C. GRCh37 (hg19) VCF-style: chr1-33245696-A-C.
Other names: short protein forms C442G.
Identifiers: ClinVar variation 2725779 (VCV002725779.3), dbSNP rs1653002426, ClinGen allele CA339681147.